The following is an entry in ClinVar:

ClinVar aggregate classification (germline): Uncertain significance (1 of 4 stars; one submission).

Conditions:
Inborn genetic diseases. Identifiers: MedGen C0950123, MeSH D030342.

Submission:

Ambry Genetics
Classification: Uncertain significance for Inborn genetic diseases. Last evaluated: 2024-12-28. Review status: criteria provided, single submitter. Criteria: Ambry Variant Classification Scheme 2023. Collection method: clinical testing. Allele origin: germline.
Comment: The p.F1005V variant (also known as c.3013T>G), located in coding exon 13 of the ASXL1 gene, results from a T to G substitution at nucleotide position 3013. The phenylalanine at codon 1005 is replaced by valine, an amino acid with highly similar properties. This amino acid position is conserved. In addition, this alteration is predicted to be tolerated by in silico analysis. Based on the available evidence, the clinical significance of this variant remains unclear.

NM_015338.6(ASXL1):c.3013T>G (p.Phe1005Val)

Gene: ASXL1 (ASXL transcriptional regulator 1; plus strand). Cytogenetic location: 20q11.21.
Variant type: single nucleotide variant.
Coding change: c.3013T>G on transcript NM_015338.6 (MANE Select); coding-DNA position 3013, T replaced by G.
Protein change: p.Phe1005Val; replaces phenylalanine 1005 with valine.
Molecular consequence: missense variant.
Genome position (GRCh38, 1-based): chr20:32,435,725, T>G. VCF-style: chr20-32435725-T-G. GRCh37 (hg19) VCF-style: chr20-31023528-T-G.
Other names: c.2830T>G, p.Phe944Val (NM_001363734.1); short protein forms F1005V, F944V.
Identifiers: ClinVar variation 3791659 (VCV003791659.1).